The following is an entry in ClinVar:

ClinVar aggregate classification (germline): Conflicting classifications of pathogenicity. Review status: criteria provided, conflicting classifications (1 of 4 stars). 2 submissions from 2 submitters: Uncertain significance (1); Likely benign (1). Last evaluated 2021-05-14.

Submissions (2):

GeneDx
Classification: Likely benign. Last evaluated: 2021-05-14. Review status: criteria provided, single submitter. Criteria: GeneDx Variant Classification Process June 2021. Collection method: clinical testing. Allele origin: germline. Affected: yes.
Comment: See Variant Classification Assertion Criteria.

Breakthrough Genomics
Classification: Uncertain significance. Review status: criteria provided, single submitter. Criteria: ACMG Guidelines, 2015. Collection method: not provided. Allele origin: germline. Inheritance: Autosomal dominant inheritance. Affected: yes.

NM_000890.5(KCNJ5):c.-293GA[4]

Gene: KCNJ5 (potassium inwardly rectifying channel subfamily J member 5; plus strand). Cytogenetic location: 11q24.3.
Variant type: Microsatellite.
Coding change: c.-293GA[4] on transcript NM_000890.5 (MANE Select); four copies in a row of the 2-base unit GA starting at c.-293.
Molecular consequence: 5 prime UTR variant.
Genome position: GRCh38 VCF-style: chr11-128891437-C-CAGAGAGAG. GRCh37 (hg19) VCF-style: chr11-128761332-C-CAGAGAGAG.
Other names: c.-382GA[4] (NM_001354169.2).
Identifiers: ClinVar variation 303600 (VCV000303600.7), dbSNP rs886047996, ClinGen allele CA10638480.
Genomic context (GRCh38, chr11:128,891,437, plus strand): 5'-AGAGAGGAGAGGGAGGAGGGGACACACACACACACACACACACACACACACACACACACA[C>CAGAGAGAG]ACACAGAGAGAGAGAGAGAGAGAGAGAGAGAGAGAGAGATTGTTCCAGCTGCTCTCGCTA-3'